The following is an entry in ClinVar:

NM_000388.4(CASR):c.643G>C (p.Asp215His)

Gene: CASR (calcium sensing receptor; plus strand). Cytogenetic location: 3q21.1.
Variant type: single nucleotide variant.
Coding change: c.643G>C on transcript NM_000388.4 (MANE Select); coding-DNA position 643, G replaced by C.
Protein change: p.Asp215His; replaces aspartic acid 215 with histidine.
Molecular consequence: missense variant.
Genome position (GRCh38, 1-based): chr3:122,261,678, G>C. VCF-style: chr3-122261678-G-C. GRCh37 (hg19) VCF-style: chr3-121980525-G-C.
Other names: c.643G>C, p.Asp215His (NM_001178065.2); short protein forms D215H.
Identifiers: ClinVar variation 35802 (VCV000035802.3), dbSNP rs1553731681, ClinGen allele CA213604.

ClinVar aggregate classification (germline): Likely pathogenic (1 of 4 stars; one submission).

Conditions:
Familial hypocalciuric hypercalcemia (FHH). Also called: Familial benign hypercalcemia. Identifiers: Orphanet 405, MedGen C1809471, MONDO:0018458.

Submission:

Women's Health and Genetics/Laboratory Corporation of America, LabCorp
Classification: Likely pathogenic for Familial Hypocalciuric Hypercalcemia. Last evaluated: 2011-08-18. Review status: criteria provided, single submitter. Criteria: LabCorp Variant Classification Summary - May 2015. Collection method: curation, clinical testing. Allele origin: germline. Inheritance: autosomal unknown. Affected: yes.
ClinVar note: Converted during submission from likely pathogenic to Likely pathogenic.